The following is an entry in ClinVar:

NM_000350.3(ABCA4):c.2863G>A (p.Glu955Lys)

Gene: ABCA4 (ATP binding cassette subfamily A member 4; minus strand). Cytogenetic location: 1p22.1.
Variant type: single nucleotide variant.
Coding change: c.2863G>A on transcript NM_000350.3 (MANE Select); coding-DNA position 2863, G replaced by A.
Protein change: p.Glu955Lys; replaces glutamic acid 955 with lysine.
Molecular consequence: missense variant.
Genome position (GRCh38, 1-based): chr1:94,046,974, C>T on the plus strand (G>A on the coding strand, the complement: ABCA4 is on the minus strand). VCF-style: chr1-94046974-C-T. GRCh37 (hg19) VCF-style: chr1-94512530-C-T.
Other names: c.2641G>A, p.Glu881Lys (NM_001425324.1); short protein forms E955K, E881K.
Identifiers: ClinVar variation 617945 (VCV000617945.15), dbSNP rs765680067, ClinGen allele CA958135.

ClinVar aggregate classification (germline): Uncertain significance. Review status: criteria provided, multiple submitters, no conflicts (2 of 4 stars). 3 submissions from 3 submitters: Uncertain significance (3). Last evaluated 2022-06-12.

Conditions:
Age related macular degeneration 2. Also called: MACULAR DEGENERATION, SENILE; MACULOPATHY, AGE-RELATED, 2; MACULOPATHY, AGE-RELATED. Identifiers: MedGen C3495438, MONDO:0007932, OMIM 153800.
Cone-rod dystrophy 3 (CORD3). Identifiers: Orphanet 1872, MedGen C1858806, MONDO:0011395, OMIM 604116.
Severe early-childhood-onset retinal dystrophy (STGD1). Also called: Stargardt macular dystrophy; Juvenile onset macular degeneration; Stargardt disease 1; STGD; MACULAR DYSTROPHY WITH FLECKS, TYPE 1. Identifiers: Orphanet 364055, Orphanet 827, MedGen C1855465, MeSH D000080362, MONDO:0009549, OMIM 248200.
Retinitis pigmentosa 19 (RP19). Also called: ABCA4-Related Retinitis Pigmentosa. Identifiers: Orphanet 791, MedGen C1866422, MONDO:0011137, OMIM 601718.

Allele frequency attached by ClinVar (database versions not stated): TOPMed 0.00002.
gnomAD v4.1: 19 of 1,614,122 alleles (0.0012%); highest among the groups gnomAD compares: South Asian, 0.0033%; no homozygotes.

Submissions (3):

Labcorp Genetics (formerly Invitae), Labcorp
Classification: Uncertain significance. Last evaluated: 2022-06-12. Review status: criteria provided, single submitter. Criteria: Invitae Variant Classification Sherloc (09022015). Collection method: clinical testing. Allele origin: germline.
Comment: This sequence change replaces glutamic acid, which is acidic and polar, with lysine, which is basic and polar, at codon 955 of the ABCA4 protein (p.Glu955Lys). This variant is present in population databases (rs765680067, gnomAD 0.004%). This variant has not been reported in the literature in individuals affected with ABCA4-related conditions. ClinVar contains an entry for this variant (Variation ID: 617945). Advanced modeling of protein sequence and biophysical properties (such as structural, functional, and spatial information, amino acid conservation, physicochemical variation, residue mobility, and thermodynamic stability) performed at Invitae indicates that this missense variant is expected to disrupt ABCA4 protein function. In summary, the available evidence is currently insufficient to determine the role of this variant in disease. Therefore, it has been classified as a Variant of Uncertain Significance.

ARUP Laboratories, Molecular Genetics and Genomics, ARUP Laboratories
Classification: Uncertain significance. Last evaluated: 2018-06-19. Review status: criteria provided, single submitter. Criteria: ARUP Molecular Germline Variant Investigation Process. Collection method: clinical testing. Allele origin: germline.
Comment: The ABCA4 c.2863G>A; p.Glu955Lys variant (rs765680067), to our knowledge, is not reported in the medical literature or in gene-specific databases. The variant is reported in the Genome Aggregation Database in 5 out of 246,136, indicating it is not a common polymorphism. The glutamine at codon 955 is conserved and computational analyses (SIFT: Damaging, PolyPhen-2: Benign) predict conflicting effects of this variant on protein structure/function. Considering available information, there is insufficient evidence to classify this variant with certainty. Pathogenic ABCA4 variants are causative for autosomal recessive cone-rod dystrophy (MIM: 604116), fundus flavimaculatus (MIM: 248200), early onset severe retinal dystrophy (MIM: 248200), retinitis pigmentosa (MIM: 248200), or Stargardt disease (MIM: 248200).

Juno Genomics, Hangzhou Juno Genomics, Inc
Classification: Uncertain significance for Age related macular degeneration 2; Cone-rod dystrophy 3; Severe early-childhood-onset retinal dystrophy; Retinitis pigmentosa 19. Review status: criteria provided, single submitter. Criteria: ACMG Guidelines, 2015. Collection method: clinical testing. Allele origin: germline.
Comment: Absent from controls (or at extremely low frequency if recessive) in Genome Aggregation Database.;Multiple lines of computational evidence support a deleterious effect on the gene or gene product.